The following is an entry in ClinVar:

ClinVar aggregate classification (germline): Conflicting classifications of pathogenicity. Review status: criteria provided, conflicting classifications (1 of 4 stars). 5 submissions from 5 submitters: Uncertain significance (3); Likely benign (1). 1 of the submissions does not count toward it. Last evaluated 2026-01-14.

Conditions:
LOXHD1-related disorder. Also called: LOXHD1-related condition.
Autosomal recessive nonsyndromic hearing loss 77. Identifiers: Orphanet 90636, MedGen C2746083, MONDO:0013119, OMIM 613079.

Allele frequency attached by ClinVar (database versions not stated): gnomAD exomes 0.00022; ExAC 0.00044; 1000 Genomes Project 30x 0.00047; 1000 Genomes Project 0.00060; gnomAD 0.00075 and 0.00083; TOPMed 0.00082; ESP Exome Variant Server 0.00088.
gnomAD v4.1: 237 of 1,550,802 alleles (0.015%); highest among the groups gnomAD compares: African/African-American, 0.23%; 1 homozygote.

Submissions (5):

Labcorp Genetics (formerly Invitae), Labcorp
Classification: Likely benign. Last evaluated: 2026-01-14. Review status: criteria provided, single submitter. Criteria: Invitae Variant Classification Sherloc (09022015). Collection method: clinical testing. Allele origin: germline.

Illumina Laboratory Services, Illumina
Classification: Uncertain significance for Autosomal recessive nonsyndromic hearing loss 77. Last evaluated: 2018-01-13. Review status: criteria provided, single submitter. Criteria: ICSL Variant Classification Criteria 13 December 2019. Collection method: clinical testing. Allele origin: germline.

Eurofins Ntd Llc (ga)
Classification: Uncertain significance. Last evaluated: 2017-06-30. Review status: criteria provided, single submitter. Criteria: EGL Classification Definitions 2015. Collection method: clinical testing. Allele origin: germline. Observed: 1 variant allele, 1 heterozygote.

Laboratory for Molecular Medicine, Mass General Brigham Personalized Medicine
Classification: Uncertain significance. Last evaluated: 2016-02-23. Review status: criteria provided, single submitter. Criteria: LMM Criteria. Collection method: clinical testing. Allele origin: germline. Observed: 1 variant allele.
Comment: The p.Thr1314Ile variant in LOXHD1 has not been previously reported in individua ls with hearing loss, but it has been identified in 0.3% (9/2754) of African chr omosomes by the Exome Aggregation Consortium (ExAC, rg; dbSNP rs182125538). Although this variant has been seen in the general popul ation, its frequency is not high enough to rule out a pathogenic role. Computati onal prediction tools and conservation analyses do not provide strong support fo r or against an impact to the protein. In summary, the clinical significance of the p.Thr1314Ile variant is uncertain.

PreventionGenetics, part of Exact Sciences
Classification: Likely benign for LOXHD1-related condition. Last evaluated: 2022-05-04. Review status: no assertion criteria provided. Collection method: clinical testing. Allele origin: germline. Not counted in ClinVar's aggregate classification.
Comment: This variant is classified as likely benign based on ACMG/AMP sequence variant interpretation guidelines (Richards et al. 2015 PMID: 25741868, with internal and published modifications).

NM_001384474.1(LOXHD1):c.3941C>T (p.Thr1314Ile)

Gene: LOXHD1 (lipoxygenase homology PLAT domains 1; minus strand). Cytogenetic location: 18q21.1.
Variant type: single nucleotide variant.
Coding change: c.3941C>T on transcript NM_001384474.1 (MANE Select); coding-DNA position 3941, C replaced by T.
Protein change: p.Thr1314Ile; replaces threonine 1314 with isoleucine.
Molecular consequence: missense variant.
Genome position (GRCh38, 1-based): chr18:46,538,310, G>A on the plus strand (C>T on the coding strand, the complement: LOXHD1 is on the minus strand). VCF-style: chr18-46538310-G-A. GRCh37 (hg19) VCF-style: chr18-44118273-G-A.
Other names: c.608C>T, p.Thr203Ile (NM_001145472.3); c.320C>T, p.Thr107Ile (NM_001308013.2); c.3941C>T, p.Thr1314Ile (NM_144612.7); short protein forms T1314I, T107I, T203I.
Identifiers: ClinVar variation 228824 (VCV000228824.25), dbSNP rs182125538, ClinGen allele CA8952405.
Genomic context (GRCh38, chr18:46,538,310, plus strand): 5'-TCGCAGCCATAGATGATGATGAAGATGTTGGCATCTGTCCCAGCAGCAAAGACATCACTG[G>A]TGTAGAGGGTGATCTCGTAAGGAACAACTGAGGGTGGTGGTCAGAGGGCAAAGCCAGAGT-3'
Protein context (NP_001371403.1, residues 1304-1324): PFVPYEITLY[Thr1314Ile]SDVFAAGTDA